The following is an entry in ClinVar:

NM_000038.6(APC):c.4490C>T (p.Pro1497Leu)

Gene: APC (APC regulator of Wnt signaling pathway; plus strand). Cytogenetic location: 5q22.2.
Variant type: single nucleotide variant.
Coding change: c.4490C>T on transcript NM_000038.6 (MANE Select); coding-DNA position 4490, C replaced by T.
Protein change: p.Pro1497Leu; replaces proline 1497 with leucine.
Molecular consequence: missense variant.
Genome position (GRCh38, 1-based): chr5:112,840,084, C>T. VCF-style: chr5-112840084-C-T. GRCh37 (hg19) VCF-style: chr5-112175781-C-T.
Other names: c.4490C>T, p.Pro1497Leu (NM_001127510.3, NM_001354895.2); c.4436C>T, p.Pro1479Leu (NM_001127511.3); c.4544C>T, p.Pro1515Leu (NM_001354896.2); c.4520C>T, p.Pro1507Leu (NM_001354897.2); c.4415C>T, p.Pro1472Leu (NM_001354898.2); c.4406C>T, p.Pro1469Leu (NM_001354899.2); c.4367C>T, p.Pro1456Leu (NM_001354900.2); c.4313C>T, p.Pro1438Leu (NM_001354901.2); and 5 more; short protein forms P1479L, P1497L, P1396L, P1469L, P1507L, P1438L, P1214L, P1337L.
Identifiers: ClinVar variation 428178 (VCV000428178.5), dbSNP rs1114167610, ClinGen allele CA16031161.

ClinVar aggregate classification (germline): Uncertain significance (1 of 4 stars; one submission).

Conditions:
Hereditary cancer-predisposing syndrome. Also called: Hereditary Cancer Syndrome; Neoplastic Syndromes, Hereditary; Hereditary neoplastic syndrome; Tumor predisposition. Identifiers: Orphanet 140162, MedGen C0027672, MeSH D009386, MONDO:0015356.

Allele frequency attached by ClinVar (database versions not stated): TOPMed below 0.00001; gnomAD 0.00001.
gnomAD v4.1: 1 of 1,614,014 alleles (0.000062%); highest among the groups gnomAD compares: Non-Finnish European, 0.000085%; no homozygotes.

Submission:

Ambry Genetics
Classification: Uncertain significance for Hereditary cancer-predisposing syndrome. Last evaluated: 2016-10-04. Review status: criteria provided, single submitter. Criteria: Ambry Variant Classification Scheme 2023. Collection method: clinical testing. Allele origin: germline.
Comment: The p.P1497L variant (also known as c.4490C>T), located in coding exon 15 of the APC gene, results from a C to T substitution at nucleotide position 4490. The proline at codon 1497 is replaced by leucine, an amino acid with similar properties. This variant was not reported in population based cohorts in the following databases: Database of Single Nucleotide Polymorphisms (dbSNP), NHLBI Exome Sequencing Project (ESP), and 1000 Genomes Project. In the ESP, this variant was not observed in 6502 samples (13004 alleles) with coverage at this position. To date, this alteration has been detected with an allele frequency of approximately 0.001% (greater than 90000 alleles tested) in our clinical cohort. This amino acid position is highly conserved in available vertebrate species. In addition, in silico predictors for this gene do not accurately predict pathogenicity. Since supporting evidence is limited at this time, the clinical significance of this alteration remains unclear.